The following is an entry in ClinVar:

ClinVar aggregate classification (germline): Uncertain significance (1 of 4 stars; one submission).

Conditions:
Tumor predisposition syndrome 3 (TPDS3). Also called: Glioma susceptibility 9; LONG TELOMERE SYNDROME, POT1-RELATED; POT1 Tumor Predisposition; Melanoma, cutaneous malignant, susceptibility to, 10. Identifiers: Orphanet 618, MedGen C4014476, MONDO:0014368, OMIM 615848.

Submission:

Labcorp Genetics (formerly Invitae), Labcorp
Classification: Uncertain significance for Tumor predisposition syndrome 3. Last evaluated: 2022-01-27. Review status: criteria provided, single submitter. Criteria: Invitae Variant Classification Sherloc (09022015). Collection method: clinical testing. Allele origin: germline.
Comment: In summary, the available evidence is currently insufficient to determine the role of this variant in disease. Therefore, it has been classified as a Variant of Uncertain Significance. Algorithms developed to predict the effect of missense changes on protein structure and function are either unavailable or do not agree on the potential impact of this missense change (SIFT: "Tolerated"; PolyPhen-2: "Probably Damaging"; Align-GVGD: "Class C0"). ClinVar contains an entry for this variant (Variation ID: 1006046). This variant has not been reported in the literature in individuals affected with POT1-related conditions. This variant is not present in population databases (gnomAD no frequency). This sequence change replaces glutamic acid, which is acidic and polar, with glutamine, which is neutral and polar, at codon 572 of the POT1 protein (p.Glu572Gln).

NM_015450.3(POT1):c.1714G>C (p.Glu572Gln)

Gene: POT1 (protection of telomeres 1; minus strand). Cytogenetic location: 7q31.33.
Variant type: single nucleotide variant.
Coding change: c.1714G>C on transcript NM_015450.3 (MANE Select); coding-DNA position 1714, G replaced by C.
Protein change: p.Glu572Gln; replaces glutamic acid 572 with glutamine.
Molecular consequence: missense variant. On other transcripts: non-coding transcript variant (3).
Genome position (GRCh38, 1-based): chr7:124,825,330, C>G on the plus strand (G>C on the coding strand, the complement: POT1 is on the minus strand). VCF-style: chr7-124825330-C-G. GRCh37 (hg19) VCF-style: chr7-124465384-C-G.
Other names: c.1321G>C, p.Glu441Gln (NM_001042594.2); short protein forms E441Q, E572Q.
Identifiers: ClinVar variation 1006046 (VCV001006046.9), dbSNP rs1794604210, ClinGen allele CA369062475.